The following is an entry in ClinVar:

NM_002055.5(GFAP):c.70G>A (p.Gly24Ser)

Gene: GFAP (glial fibrillary acidic protein; minus strand). Cytogenetic location: 17q21.31.
Variant type: single nucleotide variant.
Coding change: c.70G>A on transcript NM_002055.5 (MANE Select); coding-DNA position 70, G replaced by A.
Protein change: p.Gly24Ser; replaces glycine 24 with serine.
Molecular consequence: missense variant.
Genome position (GRCh38, 1-based): chr17:44,915,417, C>T on the plus strand (G>A on the coding strand, the complement: GFAP is on the minus strand). VCF-style: chr17-44915417-C-T. GRCh37 (hg19) VCF-style: chr17-42992785-C-T.
Other names: NM_002055.5(GFAP):c.70G>A; p.Gly24Ser; c.70G>A, p.Gly24Ser (NM_001131019.3, NM_001242376.3, NM_001363846.2); short protein forms G24S.
Identifiers: ClinVar variation 2907011 (VCV002907011.4), dbSNP rs2051890499, ClinGen allele CA399849144.

ClinVar aggregate classification (germline): Uncertain significance. Review status: reviewed by expert panel (3 of 4 stars). 2 submissions from 2 submitters: Uncertain significance (1). 1 of the submissions does not count toward it. Last evaluated 2026-10-05.

Conditions:
Alexander disease (ALXDRD). Also called: Alexander's disease. Identifiers: Orphanet 58, MedGen C0270726, MONDO:0008752, OMIM 203450.

Allele frequency attached by ClinVar (database versions not stated): gnomAD exomes below 0.00001; gnomAD 0.00001.

Submissions (2):

ClinGen Leukodystrophy and Leukoencephalopathy Variant Curation Expert Panel, ClinGen
Classification: Uncertain significance for Alexander disease. Last evaluated: 2026-10-05. Review status: reviewed by expert panel. Criteria: ClinGen Leuko ACMG Specifications GFAP V1.0. Collection method: curation. Allele origin: germline. Inheritance: Autosomal dominant inheritance.
Comment: The NM_002055.5(GFAP):c.70G>A variant in GFAP is predicted to cause substitution of glycine by serine at amino acid 24 (p.Gly24Ser). The GrpMax filtering allele frequency in gnomAD v4.1.0 is 0.00000367 from the South Asian genetic ancestry group (the lower threshold of the 95% CI of 2/90560 alleles), which is lower than the ClinGen Leukodystrophy and Leukoencephalopathy VCEP threshold for BA1 (>0.0001) and for BS1 (>0.00001), and therefore remains a variant of uncertain significance. In summary, this variant meets the criteria to be classified as Uncertain significance for Alexander disease based on the ACMG/AMP criteria applied, as specified by the ClinGen Leukodystrophy and Leukoencephalopathy VCEP. (ClinGen Leukodystrophy and Leukoencephalopathy VCEP Specifications Version Version 1.0.0)

Labcorp Genetics (formerly Invitae), Labcorp
Classification: Uncertain significance. Last evaluated: 2023-08-08. Review status: criteria provided, single submitter. Criteria: Invitae Variant Classification Sherloc (09022015). Collection method: clinical testing. Allele origin: germline. Not counted in ClinVar's aggregate classification.
Comment: This variant has not been reported in the literature in individuals affected with GFAP-related conditions. This sequence change replaces glycine, which is neutral and non-polar, with serine, which is neutral and polar, at codon 24 of the GFAP protein (p.Gly24Ser). This variant is not present in population databases (gnomAD no frequency). Algorithms developed to predict the effect of missense changes on protein structure and function output the following: SIFT: "Not Available"; PolyPhen-2: "Benign"; Align-GVGD: "Not Available". The serine amino acid residue is found in multiple mammalian species, which suggests that this missense change does not adversely affect protein function. In summary, the available evidence is currently insufficient to determine the role of this variant in disease. Therefore, it has been classified as a Variant of Uncertain Significance.